The following is an entry in ClinVar:

NM_000064.4(C3):c.3632T>C (p.Leu1211Pro)

Gene: C3 (complement C3; minus strand). Cytogenetic location: 19p13.3.
Variant type: single nucleotide variant.
Coding change: c.3632T>C on transcript NM_000064.4 (MANE Select); coding-DNA position 3632, T replaced by C.
Protein change: p.Leu1211Pro; replaces leucine 1211 with proline.
Molecular consequence: missense variant.
Genome position (GRCh38, 1-based): chr19:6,686,760, A>G on the plus strand (T>C on the coding strand, the complement: C3 is on the minus strand). VCF-style: chr19-6686760-A-G. GRCh37 (hg19) VCF-style: chr19-6686771-A-G.
Other names: short protein forms L1211P.
Identifiers: ClinVar variation 3615942 (VCV003615942.2).
Genomic context (GRCh38, chr19:6,686,760, plus strand): 5'-AACTTCAGCCATGCATCTCCCTTCACCCCTCCAGGCCAACCCTCACCTTTGGCTGTGGTC[A>G]GAAATTTGTTAAGAAGAGGCCCCTTCAGCCTGCCCATCTGGGCCAGAGCATAGCCAGCAA-3'
Protein context (NP_000055.2, residues 1201-1221): RLKGPLLNKF[Leu1211Pro]TTAKDKNRWE

ClinVar aggregate classification (germline): Uncertain significance (1 of 4 stars; one submission).

gnomAD v4.1: 12 of 1,614,040 alleles (0.00074%); highest among the groups gnomAD compares: Middle Eastern, 0.033%; no homozygotes.

Submission:

Labcorp Genetics (formerly Invitae), Labcorp
Classification: Uncertain significance. Last evaluated: 2024-05-31. Review status: criteria provided, single submitter. Criteria: Invitae Variant Classification Sherloc (09022015). Collection method: clinical testing. Allele origin: germline.
Comment: This sequence change replaces leucine, which is neutral and non-polar, with proline, which is neutral and non-polar, at codon 1211 of the C3 protein (p.Leu1211Pro). This variant is not present in population databases (gnomAD no frequency). This variant has not been reported in the literature in individuals affected with C3-related conditions. Advanced modeling of protein sequence and biophysical properties (such as structural, functional, and spatial information, amino acid conservation, physicochemical variation, residue mobility, and thermodynamic stability) performed at Invitae indicates that this missense variant is expected to disrupt C3 protein function with a positive predictive value of 80%. In summary, the available evidence is currently insufficient to determine the role of this variant in disease. Therefore, it has been classified as a Variant of Uncertain Significance.